The following is an entry in ClinVar:

NM_002227.4(JAK1):c.1036C>A (p.Leu346Met)

Gene: JAK1 (Janus kinase 1; minus strand). Cytogenetic location: 1p31.3.
Variant type: single nucleotide variant.
Coding change: c.1036C>A on transcript NM_002227.4 (MANE Select); coding-DNA position 1036, C replaced by A.
Protein change: p.Leu346Met; replaces leucine 346 with methionine.
Molecular consequence: missense variant.
Genome position (GRCh38, 1-based): chr1:64,864,927, G>T on the plus strand (C>A on the coding strand, the complement: JAK1 is on the minus strand). VCF-style: chr1-64864927-G-T. GRCh37 (hg19) VCF-style: chr1-65330610-G-T.
Other names: c.1036C>A, p.Leu346Met (NM_001320923.2, NM_001321852.2, NM_001321853.2 and 4 more transcripts); short protein forms L346M.
Identifiers: ClinVar variation 2877902 (VCV002877902.3), dbSNP rs1656596706, ClinGen allele CA340674059.
Genomic context (GRCh38, chr1:64,864,927, plus strand): 5'-AATTGTTCCACTCTTCCCGGATCTTGTTTTTCTCCTCATCCTTCTTGTGTTTATTTTCCA[G>T]TTTTTTCCGCTTCAGTTTATTTTTTTCCTTTTCAACAGAAACAACCTGATAAGATACATA-3'
Protein context (NP_002218.2, residues 336-356): KEKNKLKRKK[Leu346Met]ENKHKKDEEK

ClinVar aggregate classification (germline): Uncertain significance (1 of 4 stars; one submission).

Allele frequency attached by ClinVar (database versions not stated): gnomAD 0.00001; gnomAD exomes below 0.00001.
gnomAD v4.1: 4 of 1,613,488 alleles (0.00025%); highest among the groups gnomAD compares: Admixed American, 0.0017%; no homozygotes.

Submission:

Labcorp Genetics (formerly Invitae), Labcorp
Classification: Uncertain significance. Last evaluated: 2025-07-30. Review status: criteria provided, single submitter. Criteria: Invitae Variant Classification Sherloc (09022015). Collection method: clinical testing. Allele origin: germline.
Comment: This sequence change replaces leucine, which is neutral and non-polar, with methionine, which is neutral and non-polar, at codon 346 of the JAK1 protein (p.Leu346Met). This variant is not present in population databases (gnomAD no frequency). This variant has not been reported in the literature in individuals affected with JAK1-related conditions. ClinVar contains an entry for this variant (Variation ID: 2877902). An algorithm developed to predict the effect of missense changes on protein structure and function (PolyPhen-2) suggests that this variant is likely to be tolerated. In summary, the available evidence is currently insufficient to determine the role of this variant in disease. Therefore, it has been classified as a Variant of Uncertain Significance.